The following is an entry in ClinVar:

ClinVar aggregate classification (germline): Uncertain significance (0 of 4 stars; one submission).

Conditions:
Global developmental delay (DD). Also called: Cognitive delay. Identifiers: MedGen C0557874, HP:0001263. Disease mechanism: loss of function.

Submission:

Institute of Human Genetics, Heidelberg University
Classification: Uncertain significance for Global developmental delay. Last evaluated: 2019-07-08. Review status: no assertion criteria provided. Collection method: clinical testing. Allele origin: unknown. Affected: yes. Observed: 1 heterozygote.
Comment: The genes that are within the duplicated region were not associated with the phenotype of the patient at time of evaluation. The databases decipher and ClinVar list several similar duplications with conflicting interpretations (benign, likely benign, unclear, likely pathogenic). Similar duplications were also found in controls (dgv).

GRCh37/hg19 12p11.1(chr12:33526428-34714602)x3

Genes: ALG10 (ALG10 alpha-1,2-glucosyltransferase; plus strand), SYT10 (synaptotagmin 10; minus strand). Cytogenetic location: 12p11.1.
Variant type: copy number gain.
Change: copy number 3 (three copies instead of two) of chr12:33,526,428-34,714,602 (1.19 Mb, GRCh37 coordinates, 1-based), cytogenetic band 12p11.1.
Identifiers: ClinVar variation 973850 (VCV000973850.2).